The following is an entry in ClinVar:

NM_138927.4(SON):c.1102A>G (p.Thr368Ala)

Gene: SON (SON DNA and RNA binding protein; plus strand). Cytogenetic location: 21q22.11.
Variant type: single nucleotide variant.
Coding change: c.1102A>G on transcript NM_138927.4 (MANE Select); coding-DNA position 1102, A replaced by G.
Protein change: p.Thr368Ala; replaces threonine 368 with alanine.
Molecular consequence: missense variant. On other transcripts: non-coding transcript variant (1), intron variant (1).
Genome position (GRCh38, 1-based): chr21:33,550,333, A>G. VCF-style: chr21-33550333-A-G. GRCh37 (hg19) VCF-style: chr21-34922639-A-G.
Other names: c.1102A>G, p.Thr368Ala (NM_001291411.2, NM_001412133.1, NM_032195.3 and 2 more transcripts); c.244+3954A>G (NM_001291412.3); short protein forms T368A.
Identifiers: ClinVar variation 2077605 (VCV002077605.4), dbSNP rs199876598, ClinGen allele CA10008816.

ClinVar aggregate classification (germline): Uncertain significance (1 of 4 stars; one submission).

Allele frequency attached by ClinVar (database versions not stated): TOPMed 0.00008; gnomAD exomes 0.00017; gnomAD 0.00005; ESP Exome Variant Server 0.00015; ExAC 0.00018.
gnomAD v4.1: 251 of 1,614,002 alleles (0.016%); highest among the groups gnomAD compares: Non-Finnish European, 0.021%; no homozygotes.

Submission:

Labcorp Genetics (formerly Invitae), Labcorp
Classification: Uncertain significance. Last evaluated: 2022-05-22. Review status: criteria provided, single submitter. Criteria: Invitae Variant Classification Sherloc (09022015). Collection method: clinical testing. Allele origin: germline.
Comment: This sequence change replaces threonine, which is neutral and polar, with alanine, which is neutral and non-polar, at codon 368 of the SON protein (p.Thr368Ala). This variant is present in population databases (rs199876598, gnomAD 0.02%). This variant has not been reported in the literature in individuals affected with SON-related conditions. Algorithms developed to predict the effect of missense changes on protein structure and function are either unavailable or do not agree on the potential impact of this missense change (SIFT: "Deleterious"; PolyPhen-2: "Benign"; Align-GVGD: "Class C0"). In summary, the available evidence is currently insufficient to determine the role of this variant in disease. Therefore, it has been classified as a Variant of Uncertain Significance.